The following is an entry in ClinVar:

ClinVar aggregate classification (germline): Uncertain significance (1 of 4 stars; one submission).

Conditions:
Hereditary cancer-predisposing syndrome. Also called: Neoplastic Syndromes, Hereditary; Hereditary Cancer Syndrome; Hereditary neoplastic syndrome; Tumor predisposition. Identifiers: Orphanet 140162, MedGen C0027672, MeSH D009386, MONDO:0015356.

Submission:

Ambry Genetics
Classification: Uncertain significance for Hereditary cancer-predisposing syndrome. Last evaluated: 2023-05-07. Review status: criteria provided, single submitter. Criteria: Ambry Variant Classification Scheme 2023. Collection method: clinical testing. Allele origin: germline.
Comment: The p.T2337P variant (also known as c.7009A>C), located in coding exon 13 of the BRCA2 gene, results from an A to C substitution at nucleotide position 7009. The threonine at codon 2337 is replaced by proline, an amino acid with highly similar properties. This amino acid position is conserved. In addition, the in silico prediction for this alteration is inconclusive. Since supporting evidence is limited at this time, the clinical significance of this alteration remains unclear.

NM_000059.4(BRCA2):c.7009A>C (p.Thr2337Pro)

Gene: BRCA2 (BRCA2 DNA repair associated; plus strand). Cytogenetic location: 13q13.1.
Variant type: single nucleotide variant.
Coding change: c.7009A>C on transcript NM_000059.4 (MANE Select); coding-DNA position 7009, A replaced by C.
Protein change: p.Thr2337Pro; replaces threonine 2337 with proline.
Molecular consequence: missense variant. On other transcripts: non-coding transcript variant (1).
Genome position (GRCh38, 1-based): chr13:32,354,862, A>C. VCF-style: chr13-32354862-A-C. GRCh37 (hg19) VCF-style: chr13-32928999-A-C.
Other names: c.6913A>C, p.Thr2305Pro (NM_001406719.1); c.7009A>C, p.Thr2337Pro (NM_001406720.1); c.2077A>C, p.Thr693Pro (NM_001406721.1); c.592A>C, p.Thr198Pro (NM_001406722.1); short protein forms T2305P, T198P, T2337P, T693P.
Identifiers: ClinVar variation 2566027 (VCV002566027.2), dbSNP rs431825348, ClinGen allele CA387794068.